The following is an entry in ClinVar:

NM_138927.4(SON):c.4900A>C (p.Thr1634Pro)

Gene: SON (SON DNA and RNA binding protein; plus strand). Cytogenetic location: 21q22.11.
Variant type: single nucleotide variant.
Coding change: c.4900A>C on transcript NM_138927.4 (MANE Select); coding-DNA position 4900, A replaced by C.
Protein change: p.Thr1634Pro; replaces threonine 1634 with proline.
Molecular consequence: missense variant. On other transcripts: non-coding transcript variant (1), intron variant (1).
Genome position (GRCh38, 1-based): chr21:33,554,131, A>C. VCF-style: chr21-33554131-A-C. GRCh37 (hg19) VCF-style: chr21-34926437-A-C.
Other names: c.4900A>C, p.Thr1634Pro (NM_001291411.2, NM_001412133.1, NM_032195.3 and 2 more transcripts); c.245-3025A>C (NM_001291412.3); short protein forms T1634P.
Identifiers: ClinVar variation 2576742 (VCV002576742.1), dbSNP rs2517385526, ClinGen allele CA410163619.

ClinVar aggregate classification (germline): Uncertain significance (1 of 4 stars; one submission).

Submission:

GeneDx
Classification: Uncertain significance. Last evaluated: 2023-02-20. Review status: criteria provided, single submitter. Criteria: GeneDx Variant Classification Process June 2021. Collection method: clinical testing. Allele origin: germline. Affected: yes.
Comment: Not observed at significant frequency in large population cohorts (gnomAD); In silico analysis supports that this missense variant does not alter protein structure/function; Has not been previously published as pathogenic or benign to our knowledge